The following is an entry in ClinVar:

NM_032043.3(BRIP1):c.976C>T (p.Gln326Ter)

Gene: BRIP1 (BRCA1 interacting DNA helicase 1; minus strand). Cytogenetic location: 17q23.2.
Variant type: single nucleotide variant.
Coding change: c.976C>T on transcript NM_032043.3 (MANE Select); coding-DNA position 976, C replaced by T.
Protein change: p.Gln326Ter; replaces glutamine 326 with a stop codon.
Molecular consequence: nonsense.
Genome position (GRCh38, 1-based): chr17:61,801,417, G>A on the plus strand (C>T on the coding strand, the complement: BRIP1 is on the minus strand). VCF-style: chr17-61801417-G-A. GRCh37 (hg19) VCF-style: chr17-59878778-G-A.
Other names: short protein forms Q326*.
Identifiers: ClinVar variation 3148093 (VCV003148093.1), dbSNP rs1555607768, ClinGen allele CA400484195.

ClinVar aggregate classification (germline): Pathogenic (1 of 4 stars; one submission).

Conditions:
Familial cancer of breast. Also called: BREAST CANCER, FAMILIAL; Hereditary breast cancer; hereditary breast carcinoma. Identifiers: Orphanet 227535, MedGen C0346153, MONDO:0016419, OMIM 114480. Disease mechanism: loss of function.

Allele frequency attached by ClinVar (database versions not stated): gnomAD exomes below 0.00001.
gnomAD v4.1: 1 of 1,613,952 alleles (0.000062%); highest among the groups gnomAD compares: South Asian, 0.0011%; no homozygotes.

Submission:

Myriad Genetics, Inc.
Classification: Pathogenic for Familial cancer of breast. Last evaluated: 2024-02-01. Review status: criteria provided, single submitter. Criteria: Myriad Autosomal Dominant, Autosomal Recessive and X-Linked Classification Criteria (2023). Collection method: clinical testing. Allele origin: unknown.
Comment: This variant is considered pathogenic. This variant creates a termination codon and is predicted to result in premature protein truncation.